The following is an entry in ClinVar:

NM_030665.4(RAI1):c.1863G>A (p.Lys621=)

Gene: RAI1 (retinoic acid induced 1; plus strand). Cytogenetic location: 17p11.2.
Variant type: single nucleotide variant.
Coding change: c.1863G>A on transcript NM_030665.4 (MANE Select); coding-DNA position 1863, G replaced by A.
Protein change: p.Lys621=; no amino-acid change (lysine 621 retained).
Molecular consequence: synonymous variant.
Genome position (GRCh38, 1-based): chr17:17,794,811, G>A. VCF-style: chr17-17794811-G-A. GRCh37 (hg19) VCF-style: chr17-17698125-G-A.
Other names: c.1863G>A (NM_030665.3).
Identifiers: ClinVar variation 1582159 (VCV001582159.10), dbSNP rs771896137, ClinGen allele CA8418414.
Genomic context (GRCh38, chr17:17,794,811, plus strand): 5'-CCTGGCACAGGAGGACCTGGCCTCCGAGATCCTGGGGCTGCAGGAAGCCATCGGTGAGAA[G>A]GCCGACAAAGCTTGGGCTGAAGCACCCAGCCTGGTCAAGGACAGCAGCAAGCCACCCTTC-3'
Protein context (NP_109590.3, residues 611-631): ILGLQEAIGE[Lys621=]ADKAWAEAPS

ClinVar aggregate classification (germline): Likely benign. Review status: criteria provided, single submitter (1 of 4 stars). 2 submissions from 2 submitters: Likely benign (1). 1 of the submissions does not count toward it. Last evaluated 2023-03-04.

Conditions:
RAI1-related disorder. Also called: RAI1-related condition.

Allele frequency attached by ClinVar (database versions not stated): ExAC 0.00001; gnomAD exomes 0.00001 and 0.00006; TOPMed 0.00002; gnomAD 0.00003.
gnomAD v4.1: 84 of 1,613,026 alleles (0.0052%); highest among the groups gnomAD compares: Non-Finnish European, 0.007%; no homozygotes.

Submissions (2):

Labcorp Genetics (formerly Invitae), Labcorp
Classification: Likely benign. Last evaluated: 2023-03-04. Review status: criteria provided, single submitter. Criteria: Invitae Variant Classification Sherloc (09022015). Collection method: clinical testing. Allele origin: germline.

PreventionGenetics, part of Exact Sciences
Classification: Likely benign for RAI1-related condition. Last evaluated: 2023-02-07. Review status: no assertion criteria provided. Collection method: clinical testing. Allele origin: germline. Not counted in ClinVar's aggregate classification.
Comment: This variant is classified as likely benign based on ACMG/AMP sequence variant interpretation guidelines (Richards et al. 2015 PMID: 25741868, with internal and published modifications).